The following is an entry in ClinVar:

NM_000368.5(TSC1):c.1997+2dup

Gene: TSC1 (TSC complex subunit 1; minus strand). Cytogenetic location: 9q34.13.
Variant type: Duplication.
Coding change: c.1997+2dup on transcript NM_000368.5 (MANE Select); the canonical splice donor site of the intron after coding-DNA position 1997, one base duplicated (T; older notation c.1997+2dupT).
Molecular consequence: splice donor variant.
Genome position (GRCh38, 1-based): chr9:132,905,579, A duplicated on the plus strand (T on the coding strand, the reverse complement: TSC1 is on the minus strand). VCF-style (leftmost placement, unchanged base first): chr9-132905578-T-TA. GRCh37 (hg19) VCF-style: chr9-135780965-T-TA.
Other names: c.1631+2dup (NM_001406620.1, NM_001406625.1, NM_001406621.1 and 2 more transcripts); c.1634+2dup (NM_001406618.1, NM_001406617.1, NM_001406619.1 and 5 more transcripts); c.1841+2dup (NM_001406613.1, NM_001406612.1, NM_001406611.1); c.1844+2dup (NM_001406610.1, NM_001162427.2); c.1043+2dup (NM_001406627.1, NM_001406628.1); c.944+2dup (NM_001406629.1, NM_001406630.1); c.1994+2dup (NM_001406603.1, NM_001406609.1, NM_001406597.1 and 6 more transcripts); c.1997+2dup (NM_001406602.1, NM_001406606.1, NM_001406592.1 and 7 more transcripts); and 1 more.
Identifiers: ClinVar variation 2846386 (VCV002846386.3), dbSNP rs2538697383, ClinGen allele CA2739264834.

ClinVar aggregate classification (germline): Uncertain significance (1 of 4 stars; one submission).

Conditions:
Tuberous sclerosis 1 (TSC1). Identifiers: Orphanet 805, MedGen C1854465, MONDO:0008612, OMIM 191100.

Submission:

Labcorp Genetics (formerly Invitae), Labcorp
Classification: Uncertain significance for Tuberous sclerosis 1. Last evaluated: 2023-03-16. Review status: criteria provided, single submitter. Criteria: Invitae Variant Classification Sherloc (09022015). Collection method: clinical testing. Allele origin: germline.
Comment: Variants that disrupt the consensus splice site are a relatively common cause of aberrant splicing (PMID: 17576681, 9536098). Algorithms developed to predict the effect of sequence changes on RNA splicing suggest that this variant is not likely to affect RNA splicing. In summary, the available evidence is currently insufficient to determine the role of this variant in disease. Therefore, it has been classified as a Variant of Uncertain Significance. This variant has not been reported in the literature in individuals affected with TSC1-related conditions. This variant is not present in population databases (gnomAD no frequency). This sequence change falls in intron 15 of the TSC1 gene. It does not directly change the encoded amino acid sequence of the TSC1 protein. It affects a nucleotide within the consensus splice site.

Literature cited by the submitters: PubMed 17576681; PubMed 9536098.